The following is an entry in ClinVar:

NM_001458.5(FLNC):c.6826G>A (p.Val2276Met)

Genes: FLNC (filamin C; plus strand), FLNC-AS1 (FLNC antisense RNA 1; minus strand). Cytogenetic location: 7q32.1.
Variant type: single nucleotide variant.
Coding change: c.6826G>A on transcript NM_001458.5 (MANE Select); coding-DNA position 6826, G replaced by A.
Protein change: p.Val2276Met; replaces valine 2276 with methionine.
Molecular consequence: missense variant.
Genome position (GRCh38, 1-based): chr7:128,854,511, G>A. VCF-style: chr7-128854511-G-A. GRCh37 (hg19) VCF-style: chr7-128494565-G-A.
Other names: c.6727G>A, p.Val2243Met (NM_001127487.2); short protein forms V2276M, V2243M.
Identifiers: ClinVar variation 968410 (VCV000968410.43), dbSNP rs1207179287, ClinGen allele CA369213836.

ClinVar aggregate classification (germline): Uncertain significance. Review status: criteria provided, multiple submitters, no conflicts (2 of 4 stars). 6 submissions from 6 submitters: Uncertain significance (6). Last evaluated 2025-11-13.

Conditions:
Cardiovascular phenotype. Identifiers: MedGen CN230736.
Myofibrillar myopathy 5. Also called: Filaminopathy (type); FILAMINOPATHY, AUTOSOMAL DOMINANT. Identifiers: Orphanet 171445, MedGen C1836050, MONDO:0012289, OMIM 609524.
Hypertrophic cardiomyopathy 26. Also called: Cardiomyopathy, familial hypertrophic, 26. Identifiers: Orphanet 75249, MedGen C4310749, MONDO:0014883, OMIM 617047.
Distal myopathy with posterior leg and anterior hand involvement. Also called: WILLIAMS DISTAL MYOPATHY. Identifiers: Orphanet 63273, MedGen C3279722, MONDO:0013550, OMIM 614065.

Allele frequency attached by ClinVar (database versions not stated): gnomAD exomes below 0.00001.
gnomAD v4.1: 3 of 1,605,028 alleles (0.00019%); highest among the groups gnomAD compares: East Asian, 0.0022%; no homozygotes.

Submissions (6):

Labcorp Genetics (formerly Invitae), Labcorp
Classification: Uncertain significance for Distal myopathy with posterior leg and anterior hand involvement; Myofibrillar myopathy 5; Hypertrophic cardiomyopathy 26. Last evaluated: 2025-11-13. Review status: criteria provided, single submitter. Criteria: Invitae Variant Classification Sherloc (09022015). Collection method: clinical testing. Allele origin: germline.
Comment: This sequence change replaces valine, which is neutral and non-polar, with methionine, which is neutral and non-polar, at codon 2276 of the FLNC protein (p.Val2276Met). This variant is not present in population databases (gnomAD no frequency). This variant has not been reported in the literature in individuals affected with FLNC-related conditions. ClinVar contains an entry for this variant (Variation ID: 968410). Invitae Evidence Modeling of protein sequence and biophysical properties (such as structural, functional, and spatial information, amino acid conservation, physicochemical variation, residue mobility, and thermodynamic stability) indicates that this missense variant is not expected to disrupt FLNC protein function with a negative predictive value of 95%. In summary, the available evidence is currently insufficient to determine the role of this variant in disease. Therefore, it has been classified as a Variant of Uncertain Significance.

Genomic Medicine Center of Excellence, King Faisal Specialist Hospital and Research Centre
Classification: Uncertain significance for Hypertrophic cardiomyopathy 26. Last evaluated: 2024-03-26. Review status: criteria provided, single submitter. Criteria: ACMG Guidelines, 2015. Collection method: clinical testing. Allele origin: germline.

Ambry Genetics
Classification: Uncertain significance for Cardiovascular phenotype. Last evaluated: 2023-11-21. Review status: criteria provided, single submitter. Criteria: Ambry Variant Classification Scheme 2023. Collection method: clinical testing. Allele origin: germline.
Comment: The p.V2276M variant (also known as c.6826G>A), located in coding exon 41 of the FLNC gene, results from a G to A substitution at nucleotide position 6826. The valine at codon 2276 is replaced by methionine, an amino acid with highly similar properties. This amino acid position is highly conserved in available vertebrate species. In addition, the in silico prediction for this alteration is inconclusive. Since supporting evidence is limited at this time, the clinical significance of this alteration remains unclear.

CeGaT Center for Human Genetics Tuebingen
Classification: Uncertain significance. Last evaluated: 2022-08-01. Review status: criteria provided, single submitter. Criteria: CeGaT Center For Human Genetics Tuebingen Variant Classification Criteria Version 2. Collection method: clinical testing. Allele origin: germline. Affected: yes. Observed: 1 variant allele.
Comment: FLNC: PM2

GeneDx
Classification: Uncertain significance. Last evaluated: 2021-03-17. Review status: criteria provided, single submitter. Criteria: GeneDx Variant Classification Process June 2021. Collection method: clinical testing. Allele origin: germline. Affected: yes.
Comment: Has not been previously published as pathogenic or benign to our knowledge; Not observed in large population cohorts (Lek et al., 2016); In silico analysis, which includes protein predictors and evolutionary conservation, supports that this variant does not alter protein structure/function

Blueprint Genetics
Classification: Uncertain significance. Last evaluated: 2019-11-19. Review status: criteria provided, single submitter. Criteria: ACMG Guidelines, 2015. Collection method: clinical testing. Allele origin: germline.